The following is an entry in ClinVar:

ClinVar aggregate classification (germline): Conflicting classifications of pathogenicity. Review status: criteria provided, conflicting classifications (1 of 4 stars). 3 submissions from 3 submitters: Uncertain significance (2); Likely benign (1). Last evaluated 2025-12-03.

Conditions:
NPHP1-related disorder. Also called: NPHP1-related condition; NPHP1-related disorders.
Inborn genetic diseases. Identifiers: MedGen C0950123, MeSH D030342.
Nephronophthisis. Also called: Juvenile Nephronophthisis. Identifiers: Orphanet 655, MedGen C0687120, MONDO:0019005, HP:0000090.

Allele frequency attached by ClinVar (database versions not stated): gnomAD 0.00002; TOPMed 0.00002; ExAC 0.00007; 1000 Genomes Project 30x 0.00016; 1000 Genomes Project 0.00020.
gnomAD v4.1: 44 of 1,614,052 alleles (0.0027%); highest among the groups gnomAD compares: South Asian, 0.04%; no homozygotes.

Submissions (3):

PreventionGenetics, part of Exact Sciences
Classification: Uncertain significance for NPHP1-related condition. Last evaluated: 2025-12-03. Review status: criteria provided, single submitter. Criteria: ACMG Guidelines, 2015. Collection method: clinical testing. Allele origin: germline.
Comment: The NPHP1 c.757A>G variant is predicted to result in the amino acid substitution p.Lys253Glu. To our knowledge, this variant has not been reported in the literature. This variant is reported in 0.056% of alleles in individuals of South Asian descent in gnomAD, which is likely too common for an undocumented disease-causing variant. Although we suspect that this variant may be benign, at this time, the clinical significance of this variant is uncertain due to the absence of conclusive functional and genetic evidence.

Ambry Genetics
Classification: Likely benign for Inborn genetic diseases. Last evaluated: 2022-09-29. Review status: criteria provided, single submitter. Criteria: Ambry Variant Classification Scheme 2023. Collection method: clinical testing. Allele origin: germline.

Labcorp Genetics (formerly Invitae), Labcorp
Classification: Uncertain significance for Nephronophthisis. Last evaluated: 2022-05-06. Review status: criteria provided, single submitter. Criteria: Invitae Variant Classification Sherloc (09022015). Collection method: clinical testing. Allele origin: germline.
Comment: This sequence change replaces lysine, which is basic and polar, with glutamic acid, which is acidic and polar, at codon 253 of the NPHP1 protein (p.Lys253Glu). This variant is present in population databases (rs577070620, gnomAD 0.06%). This variant has not been reported in the literature in individuals affected with NPHP1-related conditions. Algorithms developed to predict the effect of missense changes on protein structure and function are either unavailable or do not agree on the potential impact of this missense change (SIFT: "Deleterious"; PolyPhen-2: "Benign"; Align-GVGD: "Class C0"). In summary, the available evidence is currently insufficient to determine the role of this variant in disease. Therefore, it has been classified as a Variant of Uncertain Significance.

NM_001128178.3(NPHP1):c.757A>G (p.Lys253Glu)

Gene: NPHP1 (nephrocystin 1; minus strand). Cytogenetic location: 2q13.
Variant type: single nucleotide variant.
Coding change: c.757A>G on transcript NM_001128178.3 (MANE Select); coding-DNA position 757, A replaced by G.
Protein change: p.Lys253Glu; replaces lysine 253 with glutamic acid.
Molecular consequence: missense variant.
Genome position (GRCh38, 1-based): chr2:110,164,702, T>C on the plus strand (A>G on the coding strand, the complement: NPHP1 is on the minus strand). VCF-style: chr2-110164702-T-C. GRCh37 (hg19) VCF-style: chr2-110922279-T-C.
Other names: c.757A>G, p.Lys253Glu (NM_000272.5, NM_001374256.1, NM_001374257.1 and 1 more transcripts); c.571A>G, p.Lys191Glu (NM_001128179.3); c.757A>G (NM_000272.3); short protein forms K191E, K253E.
Identifiers: ClinVar variation 2189805 (VCV002189805.3), dbSNP rs577070620, ClinGen allele CA1827282.
Genomic context (GRCh38, chr2:110,164,702, plus strand): 5'-TTAGGTAGCAAAACGAGACATGATTAACAAGACAGAAGATGCCCGCCTCTGAAATCGCTT[T>C]CTGAACAGCACTCCAGTGGGGATCAGTTCTGGGGAGACAAAATAGCAAAGTGAGTCAGGT-3'
Protein context (NP_001121650.1, residues 243-263): RTDPHWSAVQ[Lys253Glu]AISEQINTVD